The following is an entry in ClinVar:

NM_000059.4(BRCA2):c.5411T>C (p.Val1804Ala)

Gene: BRCA2 (BRCA2 DNA repair associated; plus strand). Cytogenetic location: 13q13.1.
Variant type: single nucleotide variant.
Coding change: c.5411T>C on transcript NM_000059.4 (MANE Select); coding-DNA position 5411, T replaced by C.
Protein change: p.Val1804Ala; replaces valine 1804 with alanine.
Molecular consequence: missense variant.
Genome position (GRCh38, 1-based): chr13:32,339,766, T>C. VCF-style: chr13-32339766-T-C. GRCh37 (hg19) VCF-style: chr13-32913903-T-C.
Other names: p.V1804A:GTA>GCA; short protein forms V1804A.
Identifiers: ClinVar variation 133736 (VCV000133736.32), dbSNP rs370252983, ClinGen allele CA022272.

ClinVar aggregate classification (germline): Conflicting classifications of pathogenicity. Review status: criteria provided, conflicting classifications (1 of 4 stars). 14 submissions from 14 submitters: Uncertain significance (7); Benign (1); Likely benign (5). 1 of the submissions does not count toward it. Last evaluated 2025-11-10.

Conditions:
BRCA2-related cancer predisposition. Identifiers: MedGen CN377758, MONDO:0700269.
Hereditary cancer-predisposing syndrome. Also called: Tumor predisposition; Hereditary neoplastic syndrome; Neoplastic Syndromes, Hereditary; Hereditary Cancer Syndrome. Identifiers: Orphanet 140162, MedGen C0027672, MeSH D009386, MONDO:0015356.
Hereditary breast ovarian cancer syndrome. Also called: Hereditary breast and ovarian cancer syndrome; Hereditary breast and ovarian cancer; Hereditary breast and ovarian cancer syndrome (HBOC); Breast and ovarian cancer; BRCA1- and BRCA2-Associated Hereditary Breast and Ovarian Cancer; Hereditary breast and/or ovarian cancer syndrome. Identifiers: Orphanet 145, MedGen C0677776, MeSH D061325, MONDO:0003582. Disease mechanism: loss of function.
Breast-ovarian cancer, familial, susceptibility to, 2 (BROVCA2). Also called: BRCA2 Hereditary Breast and Ovarian Cancer. Identifiers: Orphanet 145, MedGen C2675520, MONDO:0012933, OMIM 612555. Disease mechanism: loss of function.

Allele frequency attached by ClinVar (database versions not stated): gnomAD below 0.00001 and 0.00001; ExAC 0.00002; gnomAD exomes 0.00002 and 0.00003.
gnomAD v4.1: 27 of 1,613,802 alleles (0.0017%); highest among the groups gnomAD compares: South Asian, 0.021%; no homozygotes.

Submissions 1 to 9 of 14:

Labcorp Genetics (formerly Invitae), Labcorp
Classification: Likely benign for Hereditary breast ovarian cancer syndrome. Last evaluated: 2025-11-10. Review status: criteria provided, single submitter. Criteria: Invitae Variant Classification Sherloc (09022015). Collection method: clinical testing. Allele origin: germline.

Quest Diagnostics Nichols Institute San Juan Capistrano
Classification: Uncertain significance. Last evaluated: 2025-07-14. Review status: criteria provided, single submitter. Criteria: Quest Diagnostics criteria. Collection method: clinical testing. Allele origin: unknown.
Comment: The BRCA2 c.5411T>C (p.Val1804Ala) variant has been reported in the published literature in individuals with breast cancer (PMID: 25682074 (2015), 33471991 (2021), see also LOVD), and reportedly unaffected individuals (PMID: 24728327 (2014), 33471991 (2021), see also LOVD). In an individual with early-onset breast cancer, this variant co-occurred with a pathogenic BRCA2 frameshift variant, which suggests the BRCA2 c.5411T>C variant is not the primary cause of disease (PMID: 14722926 (2004)). This variant has also been described to be located in a region of the BRCA2 gene that is tolerant to missense sequence changes (PMID: 31911673 (2020)). The frequency of this variant in the general population (Genome Aggregation Database) is uninformative in the assessment of its pathogenicity. Analysis of this variant using bioinformatics tools for the prediction of the effect of amino acid changes on protein structure and function yielded predictions that this variant is benign. Based on the available information, we are unable to determine the clinical significance of this variant.

GeneDx
Classification: Uncertain significance. Last evaluated: 2025-05-08. Review status: criteria provided, single submitter. Criteria: GeneDx Variant Classification Process June 2021. Collection method: clinical testing. Allele origin: germline. Affected: yes.
Comment: Observed in individuals with personal or family history of breast and/or ovarian cancer and also in unaffected controls (PMID: 14722926, 17018160, 25682074, 33471991); In silico analysis supports that this missense variant has a deleterious effect on protein structure/function; Also known as 5639T>C; This variant is associated with the following publications: (PMID: 17018160, 31131967, 24728327, 14722926, 33471991, 29884841, 32377563, Harahap2025[CaseReport], 25682074)

Myriad Genetics, Inc.
Classification: Benign for Breast-ovarian cancer, familial, susceptibility to, 2. Last evaluated: 2024-11-12. Review status: criteria provided, single submitter. Criteria: Myriad Autosomal Dominant, Autosomal Recessive and X-Linked Classification Criteria (2023). Collection method: clinical testing. Allele origin: unknown.
Comment: This variant is considered benign. This variant has been observed in trans with a known pathogenic variant in one or more individuals lacking clinical features consistent with gene-specific recessive disease. This variant is strongly associated with less severe personal and family histories of cancer, typical for individuals without pathogenic variants in this gene [PMID: 25085752].

All of Us Research Program, National Institutes of Health
Classification: Uncertain significance for BRCA2-related cancer predisposition. Last evaluated: 2024-05-30. Review status: criteria provided, single submitter. Criteria: ACMG Guidelines, 2015. Collection method: clinical testing. Allele origin: germline. Inheritance: Autosomal dominant inheritance. Observed: 2 variant alleles, 2 heterozygotes.
Comment: This missense variant replaces valine with alanine at codon 1804 of the BRCA2 protein. Computational prediction suggests that this variant may not impact protein structure and function (internally defined REVEL score threshold <= 0.5, PMID: 27666373). To our knowledge, functional studies have not been reported for this variant. This variant has been reported in individuals affected with breast cancer and a healthy control (PMID: 14722926, 24728327, 25682074), one of these individuals also carried a known pathogenic variant in the BRCA2 gene that could explain the observed phenotype (PMID: 14722926). In a large breast cancer case-control study conducted by the BRIDGES consortium, this variant was reported in 1/60466 cases and 3/53461 controls (PMID: 33471991; Leiden Open Variation Database DB-ID BRCA2_002145). This variant has been identified in 8/251140 chromosomes in the general population by the Genome Aggregation Database (gnomAD). The available evidence is insufficient to determine the role of this variant in disease conclusively. Therefore, this variant is classified as a Variant of Uncertain Significance.

This study involves interpretation of variants in research participants for the purpose of population health screening. Participant phenotype was not available at the time of variant classification. Additional details can be found in publication PMID: 35346344, PMCID: PMC8962531

Color Diagnostics, LLC DBA Color Health
Classification: Uncertain significance for Hereditary cancer-predisposing syndrome. Last evaluated: 2024-05-14. Review status: criteria provided, single submitter. Criteria: ACMG Guidelines, 2015. Collection method: clinical testing. Allele origin: germline.
Comment: This missense variant replaces valine with alanine at codon 1804 of the BRCA2 protein. Computational prediction suggests that this variant may not impact protein structure and function. To our knowledge, functional studies have not been reported for this variant. This variant has been reported in individuals affected with breast cancer and a healthy control (PMID: 14722926, 24728327, 25682074), one of these individuals also carried a known pathogenic variant in the BRCA2 gene that could explain the observed phenotype (PMID: 14722926). In a large breast cancer case-control study conducted by the BRIDGES consortium, this variant was reported in 1/60466 cases and 3/53461 controls (PMID: 33471991; Leiden Open Variation Database DB-ID BRCA2_002145). This variant has been identified in 8/251140 chromosomes in the general population by the Genome Aggregation Database (gnomAD). The available evidence is insufficient to determine the role of this variant in disease conclusively. Therefore, this variant is classified as a Variant of Uncertain Significance.

University of Washington Department of Laboratory Medicine, University of Washington
Classification: Likely benign for Hereditary cancer-predisposing syndrome. Last evaluated: 2023-03-23. Review status: criteria provided, single submitter. Criteria: Dines et al. (Genet Med. 2020). Collection method: curation. Allele origin: germline.
Comment: Missense variant in a coldspot region where missense variants are very unlikely to be pathogenic (PMID:31911673).

BRCA2 exon 11 coldspot. Reclassification based on statistical prior probability.

Sema4
Classification: Uncertain significance for Hereditary cancer-predisposing syndrome. Last evaluated: 2021-08-17. Review status: criteria provided, single submitter. Criteria: Sema4 Curation Guidelines. Collection method: curation. Allele origin: germline.
Comment: The BRCA2 c.5411T>C (p.V1804A) variant has been reported in heterozygosity in at least three individuals with breast cancer (PMID: 14722926, 25682074, 33471991). In one of these cases, the individual also had a frameshift deleterious mutation in BRCA2 (PMID: 14722926). It was observed in 7/30600 chromosomes of the South Asian subpopulation in the large and broad cohorts of the Genome Aggregation Database (PMID: 32461654). The variant has been reported in ClinVar (Variation ID 133736). Functional studies have not been performed, and in silico predictions of the variant's effect on protein function are inconclusive. The evidence is insufficient to meet ACMG/AMP criteria for classifying the variant as benign or pathogenic. Thus, the clinical significance of this variant is currently uncertain.

Ambry Genetics
Classification: Likely benign for Hereditary cancer-predisposing syndrome. Last evaluated: 2021-07-29. Review status: criteria provided, single submitter. Criteria: Ambry Variant Classification Scheme 2023. Collection method: clinical testing. Allele origin: germline.